The following is an entry in ClinVar:

NM_003114.5(SPAG1):c.2386G>A (p.Glu796Lys)

Gene: SPAG1 (sperm associated antigen 1; plus strand). Cytogenetic location: 8q22.2.
Variant type: single nucleotide variant.
Coding change: c.2386G>A on transcript NM_003114.5 (MANE Select); coding-DNA position 2386, G replaced by A.
Protein change: p.Glu796Lys; replaces glutamic acid 796 with lysine.
Molecular consequence: missense variant.
Genome position (GRCh38, 1-based): chr8:100,240,508, G>A. VCF-style: chr8-100240508-G-A. GRCh37 (hg19) VCF-style: chr8-101252736-G-A.
Other names: c.2386G>A, p.Glu796Lys (NM_001374321.1, NM_172218.3); short protein forms E796K.
Identifiers: ClinVar variation 653923 (VCV000653923.8), dbSNP rs751735079, ClinGen allele CA4827742.
Genomic context (GRCh38, chr8:100,240,508, plus strand): 5'-TCCATGGGATGCCTTGCTTCTGAGAAGGGAGGCAAAAGCAGCAGGTCACCAGAAGACCCT[G>A]AGAAACTTCCGATAGCCAAGCCTAATAATGCCTATGAATTTGGTCAGATTATAAATGCTC-3'
Protein context (NP_003105.2, residues 786-806): GKSSRSPEDP[Glu796Lys]KLPIAKPNNA

ClinVar aggregate classification (germline): Uncertain significance (1 of 4 stars; one submission).

Conditions:
Primary ciliary dyskinesia 28. Also called: CILIARY DYSKINESIA, PRIMARY, 28, WITH OR WITHOUT SITUS INVERSUS. Identifiers: Orphanet 244, MedGen C3809706, MONDO:0014216, OMIM 615505.

Allele frequency attached by ClinVar (database versions not stated): gnomAD exomes below 0.00001; ExAC 0.00001.
gnomAD v4.1: 1 of 1,614,180 alleles (0.000062%); highest among the groups gnomAD compares: Admixed American, 0.0017%; no homozygotes.

Submission:

Labcorp Genetics (formerly Invitae), Labcorp
Classification: Uncertain significance for Primary ciliary dyskinesia 28. Last evaluated: 2018-08-05. Review status: criteria provided, single submitter. Criteria: Invitae Variant Classification Sherloc (09022015). Collection method: clinical testing. Allele origin: germline.
Comment: This sequence change replaces glutamic acid with lysine at codon 796 of the SPAG1 protein (p.Glu796Lys). The glutamic acid residue is moderately conserved and there is a small physicochemical difference between glutamic acid and lysine. The frequency data for this variant in the population databases is considered unreliable, as metrics indicate poor data quality at this position in the ExAC database. This variant has not been reported in the literature in individuals with SPAG1-related disease. Algorithms developed to predict the effect of missense changes on protein structure and function are either unavailable or do not agree on the potential impact of this missense change (SIFT: "Tolerated"; PolyPhen-2: "Possibly Damaging"; Align-GVGD: "Class C0"). In summary, the available evidence is currently insufficient to determine the role of this variant in disease. Therefore, it has been classified as a Variant of Uncertain Significance.